The following is an entry in ClinVar:

ClinVar aggregate classification (germline): Uncertain significance (1 of 4 stars; one submission).

gnomAD v4.1: 8 of 1,614,042 alleles (0.0005%); highest among the groups gnomAD compares: South Asian, 0.0044%; 1 homozygote.

Submission:

Labcorp Genetics (formerly Invitae), Labcorp
Classification: Uncertain significance. Last evaluated: 2025-09-10. Review status: criteria provided, single submitter. Criteria: Invitae Variant Classification Sherloc (09022015). Collection method: clinical testing. Allele origin: germline.
Comment: This sequence change replaces methionine, which is neutral and non-polar, with valine, which is neutral and non-polar, at codon 2561 of the FLNB protein (p.Met2561Val). This variant is present in population databases (rs771217379, gnomAD 0.002%). This variant has not been reported in the literature in individuals affected with FLNB-related conditions. Invitae Evidence Modeling of protein sequence and biophysical properties (such as structural, functional, and spatial information, amino acid conservation, physicochemical variation, residue mobility, and thermodynamic stability) indicates that this missense variant is not expected to disrupt FLNB protein function with a negative predictive value of 95%. In summary, the available evidence is currently insufficient to determine the role of this variant in disease. Therefore, it has been classified as a Variant of Uncertain Significance.

NM_001457.4(FLNB):c.7681A>G (p.Met2561Val)

Genes: FLNB (filamin B; plus strand), FLNB-AS1 (FLNB antisense RNA 1; minus strand). Cytogenetic location: 3p14.3.
Variant type: single nucleotide variant.
Coding change: c.7681A>G on transcript NM_001457.4 (MANE Select); coding-DNA position 7681, A replaced by G.
Protein change: p.Met2561Val; replaces methionine 2561 with valine.
Molecular consequence: missense variant. On other transcripts: non-coding transcript variant (1).
Genome position (GRCh38, 1-based): chr3:58,170,634, A>G. VCF-style: chr3-58170634-A-G. GRCh37 (hg19) VCF-style: chr3-58156361-A-G.
Other names: c.7774A>G, p.Met2592Val (NM_001164317.2); c.7648A>G, p.Met2550Val (NM_001164318.2); c.7609A>G, p.Met2537Val (NM_001164319.2); short protein forms M2537V, M2550V, M2561V, M2592V.
Identifiers: ClinVar variation 4811817 (VCV004811817.1).